The following is an entry in ClinVar:

ClinVar aggregate classification (germline): Uncertain significance (1 of 4 stars; one submission).

Submission:

Ambry Genetics
Classification: Uncertain significance. Last evaluated: 2024-08-03. Review status: criteria provided, single submitter. Criteria: Ambry Variant Classification Scheme 2023. Collection method: clinical testing. Allele origin: germline.
Comment: The p.K949E variant (also known as c.2845A>G), located in coding exon 1 of the MLH3 gene, results from an A to G substitution at nucleotide position 2845. The lysine at codon 949 is replaced by glutamic acid, an amino acid with similar properties. This amino acid position is conserved. In addition, this alteration is predicted to be tolerated by in silico analysis. Based on the available evidence, the clinical significance of this variant remains unclear.

NM_001040108.2(MLH3):c.2845A>G (p.Lys949Glu)

Gene: MLH3 (mutL homolog 3; minus strand). Cytogenetic location: 14q24.3.
Variant type: single nucleotide variant.
Coding change: c.2845A>G on transcript NM_001040108.2 (MANE Select); coding-DNA position 2845, A replaced by G.
Protein change: p.Lys949Glu; replaces lysine 949 with glutamic acid.
Molecular consequence: missense variant.
Genome position (GRCh38, 1-based): chr14:75,046,811, T>C on the plus strand (A>G on the coding strand, the complement: MLH3 is on the minus strand). VCF-style: chr14-75046811-T-C. GRCh37 (hg19) VCF-style: chr14-75513514-T-C.
Other names: c.2845A>G, p.Lys949Glu (NM_014381.3); short protein forms K949E.
Identifiers: ClinVar variation 3396681 (VCV003396681.1).